The following is an entry in ClinVar:

NM_001447.3(FAT2):c.12986C>G (p.Pro4329Arg)

Genes: FAT2 (FAT atypical cadherin 2; minus strand), SLC36A1 (solute carrier family 36 member 1; plus strand). Cytogenetic location: 5q33.1.
Variant type: single nucleotide variant.
Coding change: c.12986C>G on transcript NM_001447.3 (MANE Select); coding-DNA position 12986, C replaced by G.
Protein change: p.Pro4329Arg; replaces proline 4329 with arginine.
Molecular consequence: missense variant.
Genome position (GRCh38, 1-based): chr5:151,505,629, G>C on the plus strand (C>G on the coding strand, the complement: FAT2 is on the minus strand). VCF-style: chr5-151505629-G-C. GRCh37 (hg19) VCF-style: chr5-150885190-G-C.
Other names: short protein forms P4329R.
Identifiers: ClinVar variation 4800483 (VCV004800483.1).

ClinVar aggregate classification (germline): Uncertain significance (1 of 4 stars; one submission).

Submission:

Labcorp Genetics (formerly Invitae), Labcorp
Classification: Uncertain significance. Last evaluated: 2025-06-19. Review status: criteria provided, single submitter. Criteria: Invitae Variant Classification Sherloc (09022015). Collection method: clinical testing. Allele origin: germline.
Comment: This sequence change replaces proline, which is neutral and non-polar, with arginine, which is basic and polar, at codon 4329 of the FAT2 protein (p.Pro4329Arg). This variant is not present in population databases (gnomAD no frequency). This variant has not been reported in the literature in individuals affected with FAT2-related conditions. An algorithm developed to predict the effect of missense changes on protein structure and function (PolyPhen-2) suggests that this variant is likely to be tolerated. In summary, the available evidence is currently insufficient to determine the role of this variant in disease. Therefore, it has been classified as a Variant of Uncertain Significance.